The following is an entry in ClinVar:

NM_000256.3(MYBPC3):c.2671C>T (p.Arg891Trp)

Gene: MYBPC3 (myosin binding protein C3; minus strand). Cytogenetic location: 11p11.2.
Variant type: single nucleotide variant.
Coding change: c.2671C>T on transcript NM_000256.3 (MANE Select); coding-DNA position 2671, C replaced by T.
Protein change: p.Arg891Trp; replaces arginine 891 with tryptophan.
Molecular consequence: missense variant.
Genome position (GRCh38, 1-based): chr11:47,335,943, G>A on the plus strand (C>T on the coding strand, the complement: MYBPC3 is on the minus strand). VCF-style: chr11-47335943-G-A. GRCh37 (hg19) VCF-style: chr11-47357494-G-A.
Other names: short protein forms R891W.
Identifiers: ClinVar variation 177949 (VCV000177949.62), dbSNP rs727504418, ClinGen allele CA012818.

ClinVar aggregate classification (germline): Uncertain significance. Review status: criteria provided, multiple submitters, no conflicts (2 of 4 stars). 11 submissions from 11 submitters: Uncertain significance (11). Last evaluated 2026-01-22.

Conditions:
Cardiovascular phenotype. Identifiers: MedGen CN230736.
Hypertrophic cardiomyopathy 4. Also called: Familial hypertrophic cardiomyopathy 4. Identifiers: MedGen C1861862, MONDO:0007268, OMIM 115197.
Left ventricular noncompaction 10 (LVNC10). Identifiers: Orphanet 154, Orphanet 54260, MedGen C3715165, MONDO:0014163, OMIM 615396.
Cardiomyopathy (CMYO). Also called: Cardiomyopathies. Identifiers: Orphanet 167848, MedGen C0878544, MONDO:0004994, HP:0001638. Inheritance: Various modes of inheritance.
Hypertrophic cardiomyopathy. Also called: HYPERTROPHIC MYOCARDIOPATHY. Identifiers: Orphanet 217569, MedGen C0007194, MeSH D002312, MONDO:0005045, HP:0001639.

Allele frequency attached by ClinVar (database versions not stated): gnomAD 0.00001; ExAC 0.00003.
gnomAD v4.1: 29 of 1,564,140 alleles (0.0019%); highest among the groups gnomAD compares: East Asian, 0.038%; no homozygotes.

Submissions (11):

3billion
Classification: Uncertain significance for Hypertrophic cardiomyopathy 4. Last evaluated: 2026-01-22. Review status: criteria provided, single submitter. Criteria: ACMG Guidelines, 2015. Collection method: clinical testing. Allele origin: germline. Affected: yes.
Comment: The variant is observed at an extremely low frequency in the gnomAD v4.1.0 dataset (total allele frequency: 0.002%). Predicted Consequence/Location: Missense variant Damaging effect on gene or gene product predicted by in silico programs is uncertain [REVEL: 0.51 (damaging >=0.6, benign <0.4), 3Cnet: 0.01 (damaging >0.75, benign <0.1)]. The same nucleotide change resulting in the same amino acid change has been previously reported to be associated with MYBPC3-related disorder (PMID: 25611685). The variant has been previously reported as de novo in a similarly affected individual (PMID: 25611685). However, the evidence of pathogenicity is insufficient at this time. Therefore, this variant is classified as VUS according to the recommendation of ACMG/AMP guideline.

Labcorp Genetics (formerly Invitae), Labcorp
Classification: Uncertain significance for Hypertrophic cardiomyopathy. Last evaluated: 2025-12-20. Review status: criteria provided, single submitter. Criteria: Invitae Variant Classification Sherloc (09022015). Collection method: clinical testing. Allele origin: germline.
Comment: This sequence change replaces arginine, which is basic and polar, with tryptophan, which is neutral and slightly polar, at codon 891 of the MYBPC3 protein (p.Arg891Trp). The frequency data for this variant in the population databases is considered unreliable, as metrics indicate poor data quality at this position in the gnomAD database. This missense change has been observed in individual(s) with MYBPC3-related conditions (PMID: 25611685, 27532257, 32183154, 32600061). ClinVar contains an entry for this variant (Variation ID: 177949). An algorithm developed to predict the effect of missense changes on protein structure and function (PolyPhen-2) suggests that this variant is likely to be disruptive. In summary, the available evidence is currently insufficient to determine the role of this variant in disease. Therefore, it has been classified as a Variant of Uncertain Significance.

Ambry Genetics
Classification: Uncertain significance for Cardiovascular phenotype. Last evaluated: 2025-10-29. Review status: criteria provided, single submitter. Criteria: Ambry Variant Classification Scheme 2023. Collection method: clinical testing. Allele origin: germline.
Comment: The c.2671C>T (p.R891W) alteration is located in exon 26 (coding exon 26) of the MYBPC3 gene. This alteration results from a C to T substitution at nucleotide position 2671, causing the arginine (R) at amino acid position 891 to be replaced by a tryptophan (W). Based on data from gnomAD, the T allele has an overall frequency of 0.003% (6/221382) total alleles studied. The highest observed frequency was 0.02% (3/15030) of East Asian alleles. Based on insufficient or conflicting evidence, the clinical significance of this alteration remains unclear.

Dasa
Classification: Uncertain significance. Last evaluated: 2025-09-24. Review status: criteria provided, single submitter. Criteria: DASA Assertion Criteria. Collection method: clinical testing. Allele origin: germline.
Comment: NM_000256.3(MYBPC3):c.2671C>T (p.Arg891Trp) is a missense variant that results in the substitution of arginine with tryptophan. This variant is rare in population databases. Computational prediction algorithms are consistent with a deleterious effect. The currently available literature and clinical evidence are not sufficient to establish a definitive association between this variant and the reported condition. Therefore, this variant is classified as a variant of uncertain significance.

Color Diagnostics, LLC DBA Color Health
Classification: Uncertain significance for Cardiomyopathy. Last evaluated: 2025-07-25. Review status: criteria provided, single submitter. Criteria: ACMG Guidelines, 2015. Collection method: clinical testing. Allele origin: germline.
Comment: This missense variant replaces arginine with tryptophan at codon 891 of the MYBPC3 protein. Computational prediction suggests that this variant may have a deleterious impact on protein structure and function. To our knowledge, functional studies have not been reported for this variant. This variant has been reported in individuals affected with hypertrophic cardiomyopathy (PMID: 25611685, 27532257, 33495597), in individuals affected with dilated cardiomyopathy (PMID: 27532257, DOI:10.1016/j.fsigss.2009.08.094), and in an individual affected with left ventricular noncompaction cardiomyopathy (PMID: 32183154). This variant has been identified in 6/221382 chromosomes in the general population by the Genome Aggregation Database (gnomAD). The available evidence is insufficient to determine the role of this variant in disease conclusively. Therefore, this variant is classified as a Variant of Uncertain Significance.

GeneDx
Classification: Uncertain significance. Last evaluated: 2024-02-06. Review status: criteria provided, single submitter. Criteria: GeneDx Variant Classification Process June 2021. Collection method: clinical testing. Allele origin: germline. Affected: yes.
Comment: In silico analysis supports that this missense variant has a deleterious effect on protein structure/function; This variant is associated with the following publications: (PMID: 27532257, 32183154, 31447099, Murakami2014, Maeda2009, 32600061, 25611685)

All of Us Research Program, National Institutes of Health
Classification: Uncertain significance for Hypertrophic cardiomyopathy. Last evaluated: 2024-02-05. Review status: criteria provided, single submitter. Criteria: ACMG Guidelines, 2015. Collection method: clinical testing. Allele origin: germline. Inheritance: Autosomal dominant inheritance. Observed: 4 variant alleles, 4 heterozygotes.
Comment: This missense variant replaces arginine with tryptophan at codon 891 of the MYBPC3 protein. Computational prediction is inconclusive regarding the impact of this variant on protein structure and function (internally defined REVEL score threshold 0.5 < inconclusive < 0.7, PMID: 27666373). To our knowledge, functional studies have not been reported for this variant. This variant has been reported in individuals affected with hypertrophic cardiomyopathy (PMID: 25611685, 27532257, 33495597), in individuals affected with dilated cardiomyopathy (PMID: 27532257, DOI:10.1016/j.fsigss.2009.08.094), and in an individual affected with left ventricular noncompaction cardiomyopathy (PMID: 32183154). This variant has been identified in 6/221382 chromosomes in the general population by the Genome Aggregation Database (gnomAD). The available evidence is insufficient to determine the role of this variant in disease conclusively. Therefore, this variant is classified as a Variant of Uncertain Significance.

This study involves interpretation of variants in research participants for the purpose of population health screening. Participant phenotype was not available at the time of variant classification. Additional details can be found in publication PMID: 35346344, PMCID: PMC8962531

Revvity Omics, Revvity
Classification: Uncertain significance. Last evaluated: 2023-06-27. Review status: criteria provided, single submitter. Criteria: ACMG Guidelines, 2015. Collection method: clinical testing. Allele origin: germline.

Fulgent Genetics
Classification: Uncertain significance for Hypertrophic cardiomyopathy 4; Left ventricular noncompaction 10. Last evaluated: 2022-04-01. Review status: criteria provided, single submitter. Criteria: ACMG Guidelines, 2015. Collection method: clinical testing. Allele origin: unknown.

CeGaT Center for Human Genetics Tuebingen
Classification: Uncertain significance. Last evaluated: 2020-06-01. Review status: criteria provided, single submitter. Criteria: CeGaT Center For Human Genetics Tuebingen Variant Classification Criteria Version 2. Collection method: clinical testing. Allele origin: germline. Affected: yes. Observed: 1 variant allele.

Laboratory for Molecular Medicine, Mass General Brigham Personalized Medicine
Classification: Uncertain significance. Last evaluated: 2019-05-15. Review status: criteria provided, single submitter. Criteria: LMM Criteria. Collection method: clinical testing. Allele origin: germline. Observed: 3 variant alleles.
Comment: Variant classified as Uncertain Significance - Favor Pathogenic. The p.Arg891Trp variant in MYBPC3 has been reported in 1 individual with DCM (Maeda 2009) and as a de novo occurrence in 1 infant with HCM (Alfares 2015, LMM data). This variant has also been reported by other clinical laboratories in ClinVar (Variation ID: 177949) and has been identified in 3/14552 East Asian chromosomes by the Genome Aggregation Database (gnomAD). Computational prediction tools and conservation analysis suggest that the p.Arg891Trp variant may impact the protein, though this information is not predictive enough to determine pathogenicity. In summary, while there is some suspicion for a pathogenic role, the clinical significance of the p.Arg891Trp variant is uncertain. ACMG/AMP Criteria applied: PM2_Supporting, PM6, PP3.

Literature cited by the submitters: PubMed 25611685 (cited by 5 submitters); PubMed 27532257 (cited by 3 submitters); PubMed 32183154 (cited by 3 submitters); PubMed 32600061 (cited by Labcorp Genetics (formerly Invitae), Labcorp); PubMed 33495597 (cited by Color Diagnostics, LLC DBA Color Health and All of Us Research Program, National Institutes of Health).